The following is an entry in ClinVar:

ClinVar aggregate classification (germline): Uncertain significance. Review status: criteria provided, multiple submitters, no conflicts (2 of 4 stars). 2 submissions from 2 submitters: Uncertain significance (2). Last evaluated 2025-06-19.

Conditions:
Inborn genetic diseases. Identifiers: MedGen C0950123, MeSH D030342.
Short-rib thoracic dysplasia 11 with or without polydactyly (SRTD11). Also called: SHORT-RIB THORACIC DYSPLASIA 11 WITHOUT POLYDACTYLY. Identifiers: Orphanet 474, Orphanet 93271, MedGen C3810200, MONDO:0014287, OMIM 615633.

gnomAD v4.1: 34 of 1,589,404 alleles (0.0021%); highest among the groups gnomAD compares: East Asian, 0.032%; no homozygotes.

Submissions (2):

Ambry Genetics
Classification: Uncertain significance for Inborn genetic diseases. Last evaluated: 2025-06-19. Review status: criteria provided, single submitter. Criteria: Ambry Variant Classification Scheme 2023. Collection method: clinical testing. Allele origin: germline.

Labcorp Genetics (formerly Invitae), Labcorp
Classification: Uncertain significance for Short-rib thoracic dysplasia 11 with or without polydactyly. Last evaluated: 2024-08-31. Review status: criteria provided, single submitter. Criteria: Invitae Variant Classification Sherloc (09022015). Collection method: clinical testing. Allele origin: germline.
Comment: This sequence change replaces proline, which is neutral and non-polar, with serine, which is neutral and polar, at codon 394 of the WDR34 protein (p.Pro394Ser). This variant is present in population databases (rs529123166, gnomAD 0.01%). This variant has not been reported in the literature in individuals affected with WDR34-related conditions. An algorithm developed to predict the effect of missense changes on protein structure and function (PolyPhen-2) suggests that this variant is likely to be disruptive. In summary, the available evidence is currently insufficient to determine the role of this variant in disease. Therefore, it has been classified as a Variant of Uncertain Significance.

NM_052844.4(DYNC2I2):c.1180C>T (p.Pro394Ser)

Genes: DYNC2I2 (dynein 2 intermediate chain 2; minus strand), LOC126860772 (CDK7 strongly-dependent group 2 enhancer GRCh37_chr9:131396972-131398171; plus strand). Cytogenetic location: 9q34.11.
Variant type: single nucleotide variant.
Coding change: c.1180C>T on transcript NM_052844.4 (MANE Select); coding-DNA position 1180, C replaced by T.
Protein change: p.Pro394Ser; replaces proline 394 with serine.
Molecular consequence: missense variant.
Genome position (GRCh38, 1-based): chr9:128,634,723, G>A on the plus strand (C>T on the coding strand, the complement: DYNC2I2 is on the minus strand). VCF-style: chr9-128634723-G-A. GRCh37 (hg19) VCF-style: chr9-131397002-G-A.
Other names: c.1180C>T (NM_052844.3); short protein forms P394S.
Identifiers: ClinVar variation 3711288 (VCV003711288.2).
Genomic context (GRCh38, chr9:128,634,723, plus strand): 5'-CTGTGCCCCAGGCCTGCCCTACGTACCTGTGGAAGGGGGAACAGCTCACAGAGTAGATGG[G>A]ACCGCCGTGGGGGGAGAAGGTAAACTGTGCTGGGGCCCGCAGGGGCACGGAGCTGGGCAT-3'
Protein context (NP_443076.2, residues 384-404): AQFTFSPHGG[Pro394Ser]IYSVSCSPFH